The following is an entry in ClinVar:

NM_002599.5(PDE2A):c.2277T>C (p.Asp759=)

Gene: PDE2A (phosphodiesterase 2A; minus strand). Cytogenetic location: 11q13.4.
Variant type: single nucleotide variant.
Coding change: c.2277T>C on transcript NM_002599.5 (MANE Select); coding-DNA position 2277, T replaced by C.
Protein change: p.Asp759=; no amino-acid change (aspartic acid 759 retained).
Molecular consequence: synonymous variant.
Genome position (GRCh38, 1-based): chr11:72,579,363, A>G on the plus strand (T>C on the coding strand, the complement: PDE2A is on the minus strand). VCF-style: chr11-72579363-A-G. GRCh37 (hg19) VCF-style: chr11-72290407-A-G.
Other names: c.2256T>C, p.Asp752= (NM_001143839.4); c.2250T>C, p.Asp750= (NM_001146209.3); c.2214T>C, p.Asp738= (NM_001243784.2).
Identifiers: ClinVar variation 2642123 (VCV002642123.24), dbSNP rs145036254, ClinGen allele CA224416416.

ClinVar aggregate classification (germline): Likely benign (1 of 4 stars; one submission).

Allele frequency attached by ClinVar (database versions not stated): gnomAD exomes below 0.00001; gnomAD 0.00001; TOPMed 0.00001; ESP Exome Variant Server 0.00008.
gnomAD v4.1: 8 of 1,613,644 alleles (0.0005%); highest among the groups gnomAD compares: Non-Finnish European, 0.00068%; no homozygotes.

Submission:

CeGaT Center for Human Genetics Tuebingen
Classification: Likely benign. Last evaluated: 2022-07-01. Review status: criteria provided, single submitter. Criteria: CeGaT Center For Human Genetics Tuebingen Variant Classification Criteria Version 2. Collection method: clinical testing. Allele origin: germline. Affected: yes. Observed: 1 variant allele.
Comment: PDE2A: BP4, BP7